The following is an entry in ClinVar:

ClinVar aggregate classification (germline): Uncertain significance (1 of 4 stars; one submission).

Allele frequency attached by ClinVar (database versions not stated): gnomAD exomes below 0.00001.
gnomAD v4.1: 6 of 1,613,896 alleles (0.00037%); highest among the groups gnomAD compares: Middle Eastern, 0.017%; no homozygotes.

Submission:

Labcorp Genetics (formerly Invitae), Labcorp
Classification: Uncertain significance. Last evaluated: 2022-02-04. Review status: criteria provided, single submitter. Criteria: Invitae Variant Classification Sherloc (09022015). Collection method: clinical testing. Allele origin: germline.
Comment: This sequence change replaces alanine, which is neutral and non-polar, with threonine, which is neutral and polar, at codon 1291 of the NBAS protein (p.Ala1291Thr). This variant is present in population databases (no rsID available, gnomAD no frequency). This variant has not been reported in the literature in individuals affected with NBAS-related conditions. Algorithms developed to predict the effect of missense changes on protein structure and function (SIFT, PolyPhen-2, Align-GVGD) all suggest that this variant is likely to be disruptive. In summary, the available evidence is currently insufficient to determine the role of this variant in disease. Therefore, it has been classified as a Variant of Uncertain Significance.

NM_015909.4(NBAS):c.3871G>A (p.Ala1291Thr)

Gene: NBAS (NBAS subunit of NRZ tethering complex; minus strand). Cytogenetic location: 2p24.3.
Variant type: single nucleotide variant.
Coding change: c.3871G>A on transcript NM_015909.4 (MANE Select); coding-DNA position 3871, G replaced by A.
Protein change: p.Ala1291Thr; replaces alanine 1291 with threonine.
Molecular consequence: missense variant. On other transcripts: non-coding transcript variant (1).
Genome position (GRCh38, 1-based): chr2:15,356,363, C>T on the plus strand (G>A on the coding strand, the complement: NBAS is on the minus strand). VCF-style: chr2-15356363-C-T. GRCh37 (hg19) VCF-style: chr2-15496487-C-T.
Other names: short protein forms A1291T.
Identifiers: ClinVar variation 1367206 (VCV001367206.3), dbSNP rs1321029141, ClinGen allele CA345892259.